The following is an entry in ClinVar:

ClinVar aggregate classification (germline): Benign/Likely benign. Review status: criteria provided, multiple submitters, no conflicts (2 of 4 stars). 3 submissions from 3 submitters: Benign (1); Likely benign (2). Last evaluated 2026-04-22.

Conditions:
Colorectal cancer, susceptibility to, 1. Also called: COLORECTAL ADENOMA AND CANCER, SUSCEPTIBILITY TO; COLORECTAL CANCER, SUSCEPTIBILITY TO, ON CHROMOSOME 9. Identifiers: MedGen C1837315, MONDO:0012132, OMIM 608812.

Submissions (3):

Myriad Genetics, Inc.
Classification: Benign for Colorectal cancer, susceptibility to, 1. Last evaluated: 2026-04-22. Review status: criteria provided, single submitter. Criteria: Myriad Autosomal Dominant, Autosomal Recessive and X-Linked Classification Criteria (2023). Collection method: clinical testing. Allele origin: unknown.
Comment: This variant is considered benign. This variant is a silent/synonymous amino acid change and it is not expected to impact splicing.

Quest Diagnostics Nichols Institute San Juan Capistrano
Classification: Likely benign. Last evaluated: 2025-08-12. Review status: criteria provided, single submitter. Criteria: Quest Diagnostics criteria. Collection method: clinical testing. Allele origin: unknown.

Ambry Genetics
Classification: Likely benign. Last evaluated: 2025-02-23. Review status: criteria provided, single submitter. Criteria: Ambry Variant Classification Scheme 2023. Collection method: clinical testing. Allele origin: germline.

NM_024642.5(GALNT12):c.9G>A (p.Gly3=)

Gene: GALNT12 (polypeptide N-acetylgalactosaminyltransferase 12; plus strand). Cytogenetic location: 9q22.33.
Variant type: single nucleotide variant.
Coding change: c.9G>A on transcript NM_024642.5 (MANE Select); coding-DNA position 9, G replaced by A.
Protein change: p.Gly3=; no amino-acid change (glycine 3 retained).
Molecular consequence: synonymous variant.
Genome position (GRCh38, 1-based): chr9:98,807,707, G>A. VCF-style: chr9-98807707-G-A. GRCh37 (hg19) VCF-style: chr9-101569989-G-A.
Identifiers: ClinVar variation 3852651 (VCV003852651.3).